The following is an entry in ClinVar:

NM_000039.3(APOA1):c.790C>G (p.Leu264Val)

Gene: APOA1 (apolipoprotein A1; minus strand). Cytogenetic location: 11q23.3.
Variant type: single nucleotide variant.
Coding change: c.790C>G on transcript NM_000039.3 (MANE Select); coding-DNA position 790, C replaced by G.
Protein change: p.Leu264Val; replaces leucine 264 with valine.
Molecular consequence: missense variant.
Genome position (GRCh38, 1-based): chr11:116,835,822, G>C on the plus strand (C>G on the coding strand, the complement: APOA1 is on the minus strand). VCF-style: chr11-116835822-G-C. GRCh37 (hg19) VCF-style: chr11-116706538-G-C.
Other names: c.790C>G, p.Leu264Val (NM_001318017.2, NM_001318018.2, NM_001425090.1); c.463C>G, p.Leu155Val (NM_001318021.2, NM_001425091.1, NM_001425092.1); c.745C>G, p.Leu249Val (NM_001425093.1); short protein forms L155V, L249V, L264V.
Identifiers: ClinVar variation 3231952 (VCV003231952.1), dbSNP rs2540286856, ClinGen allele CA382713649.

ClinVar aggregate classification (germline): Uncertain significance (1 of 4 stars; one submission).

Conditions:
Cardiovascular phenotype. Identifiers: MedGen CN230736.

Submission:

Ambry Genetics
Classification: Uncertain significance for Cardiovascular phenotype. Last evaluated: 2024-01-17. Review status: criteria provided, single submitter. Criteria: Ambry Variant Classification Scheme 2023. Collection method: clinical testing. Allele origin: germline.
Comment: The p.L264V variant (also known as c.790C>G), located in coding exon 3 of the APOA1 gene, results from a C to G substitution at nucleotide position 790. The leucine at codon 264 is replaced by valine, an amino acid with highly similar properties. This amino acid position is conserved. In addition, the in silico prediction for this alteration is inconclusive. Based on the available evidence, the clinical significance of this alteration remains unclear.